The following is an entry in ClinVar:

ClinVar aggregate classification (germline): Uncertain significance (1 of 4 stars; one submission).

gnomAD v4.1: 1 of 1,614,156 alleles (0.000062%); highest among the groups gnomAD compares: Non-Finnish European, 0.000085%; no homozygotes.

Submission:

GeneDx
Classification: Uncertain significance. Last evaluated: 2024-06-18. Review status: criteria provided, single submitter. Criteria: GeneDx Variant Classification Process June 2021. Collection method: clinical testing. Allele origin: germline. Affected: yes.
Comment: Not observed at significant frequency in large population cohorts (gnomAD); In silico analysis supports that this missense variant has a deleterious effect on protein structure/function; Has not been previously published as pathogenic or benign to our knowledge

NM_014974.3(DIP2C):c.1316C>G (p.Ala439Gly)

Gene: DIP2C (disco interacting protein 2 homolog C; minus strand). Cytogenetic location: 10p15.3.
Variant type: single nucleotide variant.
Coding change: c.1316C>G on transcript NM_014974.3 (MANE Select); coding-DNA position 1316, C replaced by G.
Protein change: p.Ala439Gly; replaces alanine 439 with glycine.
Molecular consequence: missense variant.
Genome position (GRCh38, 1-based): chr10:390,808, G>C on the plus strand (C>G on the coding strand, the complement: DIP2C is on the minus strand). VCF-style: chr10-390808-G-C. GRCh37 (hg19) VCF-style: chr10-436748-G-C.
Other names: short protein forms A439G.
Identifiers: ClinVar variation 3392750 (VCV003392750.1).